The following is an entry in ClinVar:

NM_000141.5(FGFR2):c.1813T>G (p.Ser605Ala)

Gene: FGFR2 (fibroblast growth factor receptor 2; minus strand). Cytogenetic location: 10q26.13.
Variant type: single nucleotide variant.
Coding change: c.1813T>G on transcript NM_000141.5 (MANE Select); coding-DNA position 1813, T replaced by G.
Protein change: p.Ser605Ala; replaces serine 605 with alanine.
Molecular consequence: missense variant. On other transcripts: non-coding transcript variant (1).
Genome position (GRCh38, 1-based): chr10:121,496,582, A>C on the plus strand (T>G on the coding strand, the complement: FGFR2 is on the minus strand). VCF-style: chr10-121496582-A-C. GRCh37 (hg19) VCF-style: chr10-123256096-A-C.
Other names: c.1816T>G, p.Ser606Ala (NM_001144913.1, NM_022970.4); c.1477T>G, p.Ser493Ala (NM_001144914.1); c.1546T>G, p.Ser516Ala (NM_001144915.2, NM_023029.3); c.1468T>G, p.Ser490Ala (NM_001144916.2, NM_001441090.1); c.1465T>G, p.Ser489Ala (NM_001144917.2); c.1462T>G, p.Ser488Ala (NM_001144918.2, NM_001441091.1); c.1549T>G, p.Ser517Ala (NM_001144919.2); c.1129T>G, p.Ser377Ala (NM_001320654.2); and 4 more; short protein forms S377A, S488A, S489A, S490A, S493A, S514A, S515A, S516A.
Identifiers: ClinVar variation 4885577 (VCV004885577.2).
Genomic context (GRCh38, chr10:121,496,582, plus strand): 5'-AAAGACTCACTTTTTGGGAAGCCAAGTACTCCATGCCTCTGGCCAGCTGGTAGGTGCATG[A>C]CACCAAGTCCTTGAAGGTCATCTGCTCCTCAGGAACACGGTTAATGTCATAGGAGTACTC-3'
Protein context (NP_000132.3, residues 595-615): EEQMTFKDLV[Ser605Ala]CTYQLARGME

ClinVar aggregate classification (germline): Uncertain significance (1 of 4 stars; one submission).

Submission:

Dasa
Classification: Uncertain significance. Last evaluated: 2024-06-10. Review status: criteria provided, single submitter. Criteria: DASA Assertion Criteria. Collection method: clinical testing. Allele origin: germline.
Comment: NM_000141.5(FGFR2):c.1813T>G (p.Ser605Ala) is a missense variant that results in the substitution of serine with alanine. This variant is rare in population databases. Computational prediction algorithms are consistent with a deleterious effect. The currently available literature and clinical evidence are not sufficient to establish a definitive association between this variant and the reported condition. Therefore, this variant is classified as a variant of uncertain significance.